The following is an entry in ClinVar:

ClinVar aggregate classification (germline): Uncertain significance (1 of 4 stars; one submission).

Submission:

Labcorp Genetics (formerly Invitae), Labcorp
Classification: Uncertain significance. Last evaluated: 2023-03-11. Review status: criteria provided, single submitter. Criteria: Invitae Variant Classification Sherloc (09022015). Collection method: clinical testing. Allele origin: germline.
Comment: This variant, c.37_51del, results in the deletion of 5 amino acid(s) of the CLCN6 protein (p.Arg13_Cys17del), but otherwise preserves the integrity of the reading frame. Experimental studies and prediction algorithms are not available or were not evaluated, and the functional significance of this variant is currently unknown. In summary, the available evidence is currently insufficient to determine the role of this variant in disease. Therefore, it has been classified as a Variant of Uncertain Significance. This variant has not been reported in the literature in individuals affected with CLCN6-related conditions. This variant is present in population databases (rs746447524, gnomAD 0.008%).

NM_001286.5(CLCN6):c.37_51del (p.Arg13_Cys17del)

Gene: CLCN6 (chloride voltage-gated channel 6; plus strand). Cytogenetic location: 1p36.22.
Variant type: Deletion.
Coding change: c.37_51del on transcript NM_001286.5 (MANE Select); coding-DNA positions 37 to 51, 15 bases deleted (AGGTGGTGCTGCTGC).
Protein change: p.Arg13_Cys17del.
Molecular consequence: inframe deletion. On other transcripts: non-coding transcript variant (1).
Genome position (GRCh38, 1-based): chr1:11,806,299-11,806,313, AGGTGGTGCTGCTGC deleted; deleting any 15 consecutive bases within chr1:11,806,290-11,806,313 gives the same sequence; the c. name uses the placement nearest the transcript's 3' end. VCF-style (leftmost placement, unchanged base first): chr1-11806289-CTGCTGCTGCAGGTGG-C. GRCh37 (hg19) VCF-style: chr1-11866346-CTGCTGCTGCAGGTGG-C.
Other names: c.37_51del, p.Arg13_Cys17del (NM_001256959.2).
Identifiers: ClinVar variation 2844955 (VCV002844955.3), dbSNP rs746447524, ClinGen allele CA595852.